The following is an entry in ClinVar:

ClinVar aggregate classification (germline): Uncertain significance. Review status: criteria provided, multiple submitters, no conflicts (2 of 4 stars). 3 submissions from 3 submitters: Uncertain significance (2). 1 of the submissions does not count toward it. Last evaluated 2025-09-26.

Conditions:
Inborn genetic diseases. Identifiers: MedGen C0950123, MeSH D030342.
Autosomal recessive limb-girdle muscular dystrophy type 2E (LGMDR4). Also called: MUSCULAR DYSTROPHY, LIMB-GIRDLE, AUTOSOMAL RECESSIVE 4. Identifiers: Orphanet 119, MedGen C1858593, MONDO:0011423, OMIM 604286. Disease mechanism: Affects gamma-sarcoglycan and also disrupts the integrity of the entire sarcoglycan complex..

Allele frequency attached by ClinVar (database versions not stated): TOPMed 0.00003; gnomAD 0.00001; gnomAD exomes below 0.00001.
gnomAD v4.1: 5 of 1,612,394 alleles (0.00031%); highest among the groups gnomAD compares: East Asian, 0.011%; no homozygotes.

Submissions (3):

Ambry Genetics
Classification: Uncertain significance for Inborn genetic diseases. Last evaluated: 2025-09-26. Review status: criteria provided, single submitter. Criteria: Ambry Variant Classification Scheme 2023. Collection method: clinical testing. Allele origin: germline.

Labcorp Genetics (formerly Invitae), Labcorp
Classification: Uncertain significance for Autosomal recessive limb-girdle muscular dystrophy type 2E. Last evaluated: 2022-07-06. Review status: criteria provided, single submitter. Criteria: Invitae Variant Classification Sherloc (09022015). Collection method: clinical testing. Allele origin: germline.
Comment: This sequence change replaces valine, which is neutral and non-polar, with alanine, which is neutral and non-polar, at codon 145 of the SGCB protein (p.Val145Ala). This variant is present in population databases (no rsID available, gnomAD 0.006%). This variant has not been reported in the literature in individuals affected with SGCB-related conditions. ClinVar contains an entry for this variant (Variation ID: 848538). Algorithms developed to predict the effect of missense changes on protein structure and function are either unavailable or do not agree on the potential impact of this missense change (SIFT: "Deleterious"; PolyPhen-2: "Benign"; Align-GVGD: "Class C25"). In summary, the available evidence is currently insufficient to determine the role of this variant in disease. Therefore, it has been classified as a Variant of Uncertain Significance.

Natera, Inc.
Classification: Uncertain significance for Limb-girdle muscular dystrophy type 2E. Last evaluated: 2020-03-27. Review status: no assertion criteria provided. Collection method: clinical testing. Allele origin: germline. Not counted in ClinVar's aggregate classification.

NM_000232.5(SGCB):c.434T>C (p.Val145Ala)

Gene: SGCB (sarcoglycan beta; minus strand). Cytogenetic location: 4q12.
Variant type: single nucleotide variant.
Coding change: c.434T>C on transcript NM_000232.5 (MANE Select); coding-DNA position 434, T replaced by C.
Protein change: p.Val145Ala; replaces valine 145 with alanine.
Molecular consequence: missense variant.
Genome position (GRCh38, 1-based): chr4:52,028,917, A>G on the plus strand (T>C on the coding strand, the complement: SGCB is on the minus strand). VCF-style: chr4-52028917-A-G. GRCh37 (hg19) VCF-style: chr4-52895083-A-G.
Other names: short protein forms V145A.
Identifiers: ClinVar variation 848538 (VCV000848538.8), dbSNP rs1446053409, ClinGen allele CA356877099.
Genomic context (GRCh38, chr4:52,028,917, plus strand): 5'-TCACTTGTAATAGAAGTTTTGTTGTTTTCTACACTGAGCTTTGTTGTCCCTTGCTGAAAA[A>G]CAATCTTCAAAAAAAACAGTTTATTGTGAATATATTTTCAAAGAAGACTGCAAACAAAAT-3'
Protein context (NP_000223.1, residues 135-155): LVITGNNQPI[Val145Ala]FQQGTTKLSV